The following is an entry in ClinVar:

ClinVar aggregate classification (germline): Uncertain significance (1 of 4 stars; one submission).

Conditions:
Adams-Oliver syndrome 5 (AOS5). Identifiers: Orphanet 974, MedGen C4014970, MONDO:0014459, OMIM 616028.

Submission:

Labcorp Genetics (formerly Invitae), Labcorp
Classification: Uncertain significance for Adams-Oliver syndrome 5. Last evaluated: 2024-11-03. Review status: criteria provided, single submitter. Criteria: Invitae Variant Classification Sherloc (09022015). Collection method: clinical testing. Allele origin: germline.
Comment: This sequence change replaces glycine, which is neutral and non-polar, with glutamic acid, which is acidic and polar, at codon 2169 of the NOTCH1 protein (p.Gly2169Glu). This variant is not present in population databases (gnomAD no frequency). This variant has not been reported in the literature in individuals affected with NOTCH1-related conditions. Invitae Evidence Modeling of protein sequence and biophysical properties (such as structural, functional, and spatial information, amino acid conservation, physicochemical variation, residue mobility, and thermodynamic stability) indicates that this missense variant is not expected to disrupt NOTCH1 protein function with a negative predictive value of 95%. In summary, the available evidence is currently insufficient to determine the role of this variant in disease. Therefore, it has been classified as a Variant of Uncertain Significance.

NM_017617.5(NOTCH1):c.6506G>A (p.Gly2169Glu)

Gene: NOTCH1 (notch receptor 1; minus strand). Cytogenetic location: 9q34.3.
Variant type: single nucleotide variant.
Coding change: c.6506G>A on transcript NM_017617.5 (MANE Select); coding-DNA position 6506, G replaced by A.
Protein change: p.Gly2169Glu; replaces glycine 2169 with glutamic acid.
Molecular consequence: missense variant.
Genome position (GRCh38, 1-based): chr9:136,497,233, C>T on the plus strand (G>A on the coding strand, the complement: NOTCH1 is on the minus strand). VCF-style: chr9-136497233-C-T. GRCh37 (hg19) VCF-style: chr9-139391685-C-T.
Other names: short protein forms G2169E.
Identifiers: ClinVar variation 3635966 (VCV003635966.2).